The following is an entry in ClinVar:

NM_003412.4(ZIC1):c.1250C>G (p.Pro417Arg)

Gene: ZIC1 (Zic family zinc finger 1; plus strand). Cytogenetic location: 3q24.
Variant type: single nucleotide variant.
Coding change: c.1250C>G on transcript NM_003412.4 (MANE Select); coding-DNA position 1250, C replaced by G.
Protein change: p.Pro417Arg; replaces proline 417 with arginine.
Molecular consequence: missense variant.
Genome position (GRCh38, 1-based): chr3:147,413,457, C>G. VCF-style: chr3-147413457-C-G. GRCh37 (hg19) VCF-style: chr3-147131244-C-G.
Other names: short protein forms P417R.
Identifiers: ClinVar variation 3353162 (VCV003353162.3).

ClinVar aggregate classification (germline): Uncertain significance. Review status: criteria provided, multiple submitters, no conflicts (2 of 4 stars). 3 submissions from 3 submitters: Uncertain significance (2). 1 of the submissions does not count toward it. Last evaluated 2025-07-01.

Conditions:
ZIC1-related disorder. Also called: ZIC1-related condition.
Inborn genetic diseases. Identifiers: MedGen C0950123, MeSH D030342.

gnomAD v4.1: 28 of 1,614,194 alleles (0.0017%); highest among the groups gnomAD compares: Middle Eastern, 0.082%; no homozygotes.

Submissions (3):

Ambry Genetics
Classification: Uncertain significance for Inborn genetic diseases. Last evaluated: 2025-07-01. Review status: criteria provided, single submitter. Criteria: Ambry Variant Classification Scheme 2023. Collection method: clinical testing. Allele origin: germline.

Labcorp Genetics (formerly Invitae), Labcorp
Classification: Uncertain significance. Last evaluated: 2025-06-12. Review status: criteria provided, single submitter. Criteria: Invitae Variant Classification Sherloc (09022015). Collection method: clinical testing. Allele origin: germline.
Comment: This sequence change replaces proline, which is neutral and non-polar, with arginine, which is basic and polar, at codon 417 of the ZIC1 protein (p.Pro417Arg). This variant is present in population databases (rs750902943, gnomAD 0.003%). This variant has not been reported in the literature in individuals affected with ZIC1-related conditions. ClinVar contains an entry for this variant (Variation ID: 3353162). Invitae Evidence Modeling of protein sequence and biophysical properties (such as structural, functional, and spatial information, amino acid conservation, physicochemical variation, residue mobility, and thermodynamic stability) indicates that this missense variant is not expected to disrupt ZIC1 protein function with a negative predictive value of 80%. In summary, the available evidence is currently insufficient to determine the role of this variant in disease. Therefore, it has been classified as a Variant of Uncertain Significance.

PreventionGenetics, part of Exact Sciences
Classification: Uncertain significance for ZIC1-related condition. Last evaluated: 2024-06-26. Review status: no assertion criteria provided. Collection method: clinical testing. Allele origin: germline. Not counted in ClinVar's aggregate classification.
Comment: The ZIC1 c.1250C>G variant is predicted to result in the amino acid substitution p.Pro417Arg. To our knowledge, this variant has not been reported in the literature. This variant is reported in 0.0031% of alleles in individuals of European (Non-Finnish) descent in gnomAD. At this time, the clinical significance of this variant is uncertain due to the absence of conclusive functional and genetic evidence.